The following is an entry in ClinVar:

NM_152564.5(VPS13B):c.2515+16591C>G

Gene: VPS13B (vacuolar protein sorting 13 homolog B; plus strand). Cytogenetic location: 8q22.2.
Variant type: single nucleotide variant.
Coding change: c.2515+16591C>G on transcript NM_152564.5 (MANE Select); 16591 bases into the intron after coding-DNA position 2515, C replaced by G.
Molecular consequence: intron variant. On other transcripts: missense variant (1).
Genome position (GRCh38, 1-based): chr8:99,209,648, C>G. VCF-style: chr8-99209648-C-G. GRCh37 (hg19) VCF-style: chr8-100221876-C-G.
Other names: c.2572C>G, p.Pro858Ala (NM_015243.3); c.2515+16591C>G (NM_017890.5); short protein forms P858A.
Identifiers: ClinVar variation 1804907 (VCV001804907.27), dbSNP rs369218128, ClinGen allele CA4822934.

ClinVar aggregate classification (germline): Conflicting classifications of pathogenicity. Review status: criteria provided, conflicting classifications (1 of 4 stars). 4 submissions from 4 submitters: Uncertain significance (1); Likely benign (2). 1 of the submissions does not count toward it. Last evaluated 2024-10-07.

Conditions:
Cohen syndrome (COH1). Also called: PEPPER SYNDROME; Cutis verticis gyrata, retinitis pigmentosa, and sensorineural deafness. Identifiers: Orphanet 193, MedGen C0265223, MONDO:0008999, OMIM 216550.
VPS13B-related disorder. Also called: VPS13B-related condition.

Allele frequency attached by ClinVar (database versions not stated): gnomAD exomes 0.00004; TOPMed 0.00027; gnomAD 0.00028; ExAC 0.00073; 1000 Genomes Project 0.00080; 1000 Genomes Project 30x 0.00156.
gnomAD v4.1: 66 of 631,294 alleles (0.01%); highest among the groups gnomAD compares: East Asian, 0.57%; 1 homozygote.

Submissions (4):

Blueprint Genetics
Classification: Likely benign. Last evaluated: 2024-10-07. Review status: criteria provided, single submitter. Criteria: ACMG Guidelines, 2015. Collection method: clinical testing. Allele origin: germline.

CeGaT Center for Human Genetics Tuebingen
Classification: Likely benign. Last evaluated: 2023-01-01. Review status: criteria provided, single submitter. Criteria: CeGaT Center For Human Genetics Tuebingen Variant Classification Criteria Version 2. Collection method: clinical testing. Allele origin: germline. Affected: yes. Observed: 1 variant allele.
Comment: VPS13B: BP4

Victorian Clinical Genetics Services, Murdoch Childrens Research Institute
Classification: Uncertain significance for Cohen syndrome. Last evaluated: 2019-08-28. Review status: criteria provided, single submitter. Criteria: ACMG Guidelines, 2015. Collection method: clinical testing. Allele origin: germline. Inheritance: Autosomal recessive inheritance. Affected: yes.
Comment: A heterozygous missense variant was identified, NM_015243.2(VPS13B):c.2572C>G in exon 18 of 18 of the VPS13B gene (NB: This variant is non-coding in alternative transcripts, including the predominant transcript, NM_017890.4). This substitution is predicted to create a minor amino acid change from proline to alanine at position 858 of the protein, NP_056058.2(VPS13B):p.(Pro858Ala). The proline at this position is conserved, but only present, in mammals (100 vertebrates, UCSC), but is not situated in a known functional domain. In silico software predicts this variant to be benign (Polyphen, SIFT, CADD, Mutation Taster). The variant is present in the gnomAD population database at a frequency of 0.024% (15 heterozygotes, 0 homozygotes). The variant has not been previously reported in a clinical testing setting. Based on information available at the time of curation, this variant has been classified as a VARIANT of UNCERTAIN SIGNIFICANCE (VUS) with LOW CLINICAL RELEVANCE.

PreventionGenetics, part of Exact Sciences
Classification: Likely benign for VPS13B-related condition. Last evaluated: 2021-09-30. Review status: no assertion criteria provided. Collection method: clinical testing. Allele origin: germline. Not counted in ClinVar's aggregate classification.
Comment: This variant is classified as likely benign based on ACMG/AMP sequence variant interpretation guidelines (Richards et al. 2015 PMID: 25741868, with internal and published modifications).